The following is an entry in ClinVar:

NM_001009944.3(PKD1):c.4545C>T (p.His1515=)

Gene: PKD1 (polycystin 1, transient receptor potential channel interacting; minus strand). Cytogenetic location: 16p13.3.
Variant type: single nucleotide variant.
Coding change: c.4545C>T on transcript NM_001009944.3 (MANE Select); coding-DNA position 4545, C replaced by T.
Protein change: p.His1515=; no amino-acid change (histidine 1515 retained).
Molecular consequence: synonymous variant.
Genome position (GRCh38, 1-based): chr16:2,110,622, G>A on the plus strand (C>T on the coding strand, the complement: PKD1 is on the minus strand). VCF-style: chr16-2110622-G-A. GRCh37 (hg19) VCF-style: chr16-2160623-G-A.
Other names: c.4545C>T, p.His1515= (NM_000296.4).
Identifiers: ClinVar variation 4927874 (VCV004927874.2).

ClinVar aggregate classification (germline): Likely benign. Review status: criteria provided, multiple submitters, no conflicts (2 of 4 stars). 2 submissions from 2 submitters: Likely benign (2). Last evaluated 2026-08-20.

Conditions:
PKD1-related disorder. Also called: PKD1-related condition.

gnomAD v4.1: 64 of 1,610,126 alleles (0.004%); highest among the groups gnomAD compares: South Asian, 0.034%; no homozygotes.

Submissions (2):

PreventionGenetics, part of Exact Sciences
Classification: Likely benign for PKD1-related condition. Last evaluated: 2026-08-20. Review status: criteria provided, single submitter. Criteria: ACMG Guidelines, 2015. Collection method: clinical testing. Allele origin: germline.
Comment: This variant is classified as likely benign based on ACMG/AMP sequence variant interpretation guidelines (Richards et al. 2015 PMID: 25741868, with internal and published modifications).

Blueprint Genetics
Classification: Likely benign. Last evaluated: 2024-07-15. Review status: criteria provided, single submitter. Criteria: ACMG Guidelines, 2015. Collection method: clinical testing. Allele origin: germline.